The following is an entry in ClinVar:

ClinVar aggregate classification (germline): Uncertain significance (0 of 4 stars; one submission).

Conditions:
EIF4G1-related disorder. Also called: EIF4G1-related condition.

Allele frequency attached by ClinVar (database versions not stated): 1000 Genomes Project 30x 0.00016.
gnomAD v4.1: 15 of 1,613,800 alleles (0.00093%); highest among the groups gnomAD compares: South Asian, 0.013%; no homozygotes.

Submission:

PreventionGenetics, part of Exact Sciences
Classification: Uncertain significance for EIF4G1-related condition. Last evaluated: 2024-01-04. Review status: no assertion criteria provided. Collection method: clinical testing. Allele origin: germline.
Comment: The EIF4G1 c.3542C>A variant is predicted to result in the amino acid substitution p.Ala1181Asp. To our knowledge, this variant has not been reported in the literature. This variant is reported in 0.0065% of alleles in individuals of South Asian descent in gnomAD. At this time, the clinical significance of this variant is uncertain due to the absence of conclusive functional and genetic evidence.

NM_198241.3(EIF4G1):c.3542C>A (p.Ala1181Asp)

Gene: EIF4G1 (eukaryotic translation initiation factor 4 gamma 1; plus strand). Cytogenetic location: 3q27.1.
Variant type: single nucleotide variant.
Coding change: c.3542C>A on transcript NM_198241.3 (MANE Select); coding-DNA position 3542, C replaced by A.
Protein change: p.Ala1181Asp; replaces alanine 1181 with aspartic acid.
Molecular consequence: missense variant.
Genome position (GRCh38, 1-based): chr3:184,327,329, C>A. VCF-style: chr3-184327329-C-A. GRCh37 (hg19) VCF-style: chr3-184045117-C-A.
Other names: c.3563C>A, p.Ala1188Asp (NM_001194946.2, NM_001194947.2); c.3422C>A, p.Ala1141Asp (NM_001291157.2); c.2957C>A, p.Ala986Asp (NM_004953.5); c.3545C>A, p.Ala1182Asp (NM_182917.4); c.3050C>A, p.Ala1017Asp (NM_198242.3); c.3281C>A, p.Ala1094Asp (NM_198244.3); short protein forms A1017D, A1094D, A1141D, A1181D, A1182D, A1188D, A986D.
Identifiers: ClinVar variation 3030147 (VCV003030147.2), dbSNP rs200529085, ClinGen allele CA2732843.
Genomic context (GRCh38, chr3:184,327,329, plus strand): 5'-TAGAGCGGAGTGAACGGGGAGGGGACCGTGGGGACCGGCTTGATCGTGCGCGGACACCTG[C>A]TACCAAGCGGAGCTTCAGCAAGGAAGTGGAGGAGCGGAGTAGAGAACGGCCCTCCCAGCC-3'
Protein context (NP_937884.2, residues 1171-1191): GDRLDRARTP[Ala1181Asp]TKRSFSKEVE